The following is an entry in ClinVar:

ClinVar aggregate classification (germline): Likely benign. Review status: criteria provided, multiple submitters, no conflicts (2 of 4 stars). 2 submissions from 2 submitters: Likely benign (2). Last evaluated 2024-08-06.

Conditions:
Juvenile polyposis syndrome (JPS). Identifiers: Orphanet 2929, MedGen C0345893, MONDO:0017380, OMIM 174900.

Submissions (2):

Myriad Genetics, Inc.
Classification: Likely benign for Juvenile polyposis syndrome. Last evaluated: 2024-08-06. Review status: criteria provided, single submitter. Criteria: Myriad Autosomal Dominant, Autosomal Recessive and X-Linked Classification Criteria (2023). Collection method: clinical testing. Allele origin: unknown.
Comment: This variant is considered likely benign. This variant is intronic and is not expected to impact mRNA splicing.

Labcorp Genetics (formerly Invitae), Labcorp
Classification: Likely benign for Juvenile polyposis syndrome. Last evaluated: 2024-01-19. Review status: criteria provided, single submitter. Criteria: Invitae Variant Classification Sherloc (09022015). Collection method: clinical testing. Allele origin: germline.

NM_004329.3(BMPR1A):c.1166+9T>C

Gene: BMPR1A (bone morphogenetic protein receptor type 1A; plus strand). Cytogenetic location: 10q23.2.
Variant type: single nucleotide variant.
Coding change: c.1166+9T>C on transcript NM_004329.3 (MANE Select); 9 bases into the intron after coding-DNA position 1166, T replaced by C.
Molecular consequence: intron variant.
Genome position (GRCh38, 1-based): chr10:86,919,478, T>C. VCF-style: chr10-86919478-T-C. GRCh37 (hg19) VCF-style: chr10-88679235-T-C.
Other names: c.1166+9T>C (NM_001406562.1, NM_001406568.1, NM_001406567.1 and 19 more transcripts); c.1082+9T>C (NM_001406584.1, NM_001406588.1, NM_001406587.1 and 2 more transcripts); c.1214+9T>C (NM_001406560.1); c.1241+9T>C (NM_001406559.1); c.1160+9T>C (NM_001406583.1); c.824+9T>C (NM_001406589.1).
Identifiers: ClinVar variation 2821287 (VCV002821287.4), dbSNP rs2539624325, ClinGen allele CA2739275874.